The following is an entry in ClinVar:

NM_001370658.1(BTD):c.1274G>T (p.Gly425Val)

Gene: BTD (biotinidase; plus strand). Cytogenetic location: 3p25.1.
Variant type: single nucleotide variant.
Coding change: c.1274G>T on transcript NM_001370658.1 (MANE Select); coding-DNA position 1274, G replaced by T.
Protein change: p.Gly425Val; replaces glycine 425 with valine.
Molecular consequence: missense variant. On other transcripts: intron variant (2).
Genome position (GRCh38, 1-based): chr3:15,645,190, G>T. VCF-style: chr3-15645190-G-T. GRCh37 (hg19) VCF-style: chr3-15686697-G-T.
Other names: c.1334G>T, p.Gly445Val (NM_000060.4); c.1274G>T, p.Gly425Val (NM_001281723.4, NM_001281724.3, NM_001281725.3 and 16 more transcripts); c.1015+259G>T (NM_001370752.1); c.399+3133G>T (NM_001370753.1); short protein forms G425V.
Identifiers: ClinVar variation 25082 (VCV000025082.21), dbSNP rs397514402, ClinGen allele CA278330.
Genomic context (GRCh38, chr3:15,645,190, plus strand): 5'-ATTTACTTTACGAGAGGCCCACCTTATCCAAAGAGCTGTATGCCCTGGGGGTCTTTGATG[G>T]GCTTCACACAGTACATGGCACTTACTACATCCAAGTGTGTGCCCTGGTCAGGTGTGGGGG-3'
Protein context (NP_001357587.1, residues 415-435): KELYALGVFD[Gly425Val]LHTVHGTYYI

ClinVar aggregate classification (germline): Conflicting classifications of pathogenicity. Review status: criteria provided, conflicting classifications (1 of 4 stars). 7 submissions from 7 submitters: Pathogenic (3); Likely pathogenic (2); Uncertain significance (1). 1 of the submissions does not count toward it. Last evaluated 2026-06-15.

Conditions:
Biotinidase deficiency. Also called: BTD deficiency; Late-onset biotin-responsive multiple carboxylase deficiency; Biotin deficiency. Identifiers: Orphanet 79241, MedGen C0220754, MONDO:0009665, OMIM 253260.

Allele frequency attached by ClinVar (database versions not stated): TOPMed below 0.00001; gnomAD 0.00001.
gnomAD v4.1: 5 of 1,614,048 alleles (0.00031%); highest among the groups gnomAD compares: Non-Finnish European, 0.00042%; no homozygotes.

Submissions (7):

Myriad Genetics, Inc.
Classification: Uncertain significance for Biotinidase deficiency. Last evaluated: 2026-06-15. Review status: criteria provided, single submitter. Criteria: Myriad Autosomal Dominant, Autosomal Recessive and X-Linked Classification Criteria (2023). Collection method: clinical testing. Allele origin: unknown.
Comment: NM_000060.2(BTD):c.1334G>T(G445V) is a missense variant classified as a variant of uncertain significance in the context of biotinidase deficiency. G445V has been observed in cases with relevant disease (PMID: 9396567, 15776412). Relevant functional assessments of this variant are not available in the literature. G445V has not been observed in referenced population frequency databases. In summary, there is insufficient evidence to classify NM_000060.2(BTD):c.1334G>T(G445V) as pathogenic or benign. Please note: this variant was assessed in the context of healthy population screening.

GeneDx
Classification: Likely pathogenic. Last evaluated: 2024-11-19. Review status: criteria provided, single submitter. Criteria: GeneDx Variant Classification Process June 2021. Collection method: clinical testing. Allele origin: germline. Affected: yes.
Comment: In silico analysis supports that this missense variant has a deleterious effect on protein structure/function; Not observed at significant frequency in large population cohorts (gnomAD); This variant is associated with the following publications: (PMID: 9396567)

Labcorp Genetics (formerly Invitae), Labcorp
Classification: Pathogenic for Biotinidase deficiency. Last evaluated: 2024-10-31. Review status: criteria provided, single submitter. Criteria: Invitae Variant Classification Sherloc (09022015). Collection method: clinical testing. Allele origin: germline.
Comment: This sequence change replaces glycine, which is neutral and non-polar, with valine, which is neutral and non-polar, at codon 445 of the BTD protein (p.Gly445Val). This variant is not present in population databases (gnomAD no frequency). This missense change has been observed in individual(s) with both profound and partial biotinidase deficiency (PMID: 9396567, 15776412). In at least one individual the data is consistent with being in trans (on the opposite chromosome) from a pathogenic variant. ClinVar contains an entry for this variant (Variation ID: 25082). Invitae Evidence Modeling of protein sequence and biophysical properties (such as structural, functional, and spatial information, amino acid conservation, physicochemical variation, residue mobility, and thermodynamic stability) indicates that this missense variant is expected to disrupt BTD protein function with a positive predictive value of 95%. This variant disrupts the p.Gly445 amino acid residue in BTD. Other variant(s) that disrupt this residue have been determined to be pathogenic (PMID: 20224900). This suggests that this residue is clinically significant, and that variants that disrupt this residue are likely to be disease-causing. For these reasons, this variant has been classified as Pathogenic.

Baylor Genetics
Classification: Likely pathogenic for Biotinidase deficiency. Last evaluated: 2024-03-22. Review status: criteria provided, single submitter. Criteria: ACMG Guidelines, 2015. Collection method: clinical testing. Allele origin: unknown.

Fulgent Genetics
Classification: Pathogenic for Biotinidase deficiency. Last evaluated: 2023-12-29. Review status: criteria provided, single submitter. Criteria: ACMG Guidelines, 2015. Collection method: clinical testing. Allele origin: germline.

Quest Diagnostics Nichols Institute San Juan Capistrano
Classification: Pathogenic. Last evaluated: 2019-05-03. Review status: criteria provided, single submitter. Criteria: Quest Diagnostics criteria. Collection method: clinical testing. Allele origin: germline.
Comment: Not found in the total gnomAD dataset, and the data is high quality (0/282830 chr). Found in at least two symptomatic patients. Predicted to have a damaging effect on the protein. Occurs in multiple cases with a recessive pathogenic variant in the same gene. Assessment of experimental evidence suggests this variant results in abnormal protein function.

Natera, Inc.
Classification: Likely pathogenic for Biotinidase deficiency. Last evaluated: 2023-03-16. Review status: no assertion criteria provided. Collection method: clinical testing. Allele origin: germline. Not counted in ClinVar's aggregate classification.

Literature cited by the submitters: PubMed 15776412 (cited by 3 submitters); PubMed 9396567 (cited by 3 submitters); PubMed 20224900 (cited by Labcorp Genetics (formerly Invitae), Labcorp).